The following is an entry in ClinVar:

ClinVar aggregate classification (germline): Likely benign. Review status: criteria provided, single submitter (1 of 4 stars). 2 submissions from 2 submitters: Likely benign (1). 1 of the submissions does not count toward it. Last evaluated 2024-05-06.

Conditions:
Autosomal dominant nocturnal frontal lobe epilepsy 5. Also called: CILIARY DYSKINESIA, PRIMARY, 28, WITHOUT SITUS INVERSUS; CILIARY DYSKINESIA, PRIMARY, 28, WITH SITUS INVERSUS; KCNT1-Related Epilepsy; Epilepsy, nocturnal frontal lobe, 5. Identifiers: Orphanet 98784, MedGen C3554306, MONDO:0014002, OMIM 615005.
Developmental and epileptic encephalopathy, 14 (DEE14). Also called: Early infantile epileptic encephalopathy 14. Identifiers: Orphanet 293181, MedGen C3554195, MONDO:0013989, OMIM 614959.
KCNT1-related disorder. Also called: KCNT1-related condition.

Allele frequency attached by ClinVar (database versions not stated): TOPMed below 0.00001; ExAC 0.00001; gnomAD 0.00001; 1000 Genomes Project 30x 0.00016; 1000 Genomes Project 0.00020.
gnomAD v4.1: 4 of 1,471,570 alleles (0.00027%); highest among the groups gnomAD compares: African/African-American, 0.003%; no homozygotes.

Submissions (2):

Labcorp Genetics (formerly Invitae), Labcorp
Classification: Likely benign for Autosomal dominant nocturnal frontal lobe epilepsy 5; Developmental and epileptic encephalopathy, 14. Last evaluated: 2024-05-06. Review status: criteria provided, single submitter. Criteria: Invitae Variant Classification Sherloc (09022015). Collection method: clinical testing. Allele origin: germline.

PreventionGenetics, part of Exact Sciences
Classification: Likely benign for KCNT1-related condition. Last evaluated: 2021-11-18. Review status: no assertion criteria provided. Collection method: clinical testing. Allele origin: germline. Not counted in ClinVar's aggregate classification.
Comment: This variant is classified as likely benign based on ACMG/AMP sequence variant interpretation guidelines (Richards et al. 2015 PMID: 25741868, with internal and published modifications).

NM_020822.3(KCNT1):c.222G>T (p.Leu74=)

Gene: KCNT1 (potassium sodium-activated channel subfamily T member 1; plus strand). Cytogenetic location: 9q34.3.
Variant type: single nucleotide variant.
Coding change: c.222G>T on transcript NM_020822.3 (MANE Select); coding-DNA position 222, G replaced by T.
Protein change: p.Leu74=; no amino-acid change (leucine 74 retained).
Molecular consequence: synonymous variant. On other transcripts: intron variant (1).
Genome position (GRCh38, 1-based): chr9:135,714,688, G>T. VCF-style: chr9-135714688-G-T. GRCh37 (hg19) VCF-style: chr9-138606534-G-T.
Other names: c.110+12320G>T (NM_001272003.2); c.222G>T (NM_020822.2).
Identifiers: ClinVar variation 1155263 (VCV001155263.11), dbSNP rs573574312, ClinGen allele CA5326303.